The following is an entry in ClinVar:

NM_031475.3(ESPN):c.1287A>C (p.Thr429=)

Gene: ESPN (espin; plus strand). Cytogenetic location: 1p36.31.
Variant type: single nucleotide variant.
Coding change: c.1287A>C on transcript NM_031475.3 (MANE Select); coding-DNA position 1287, A replaced by C.
Protein change: p.Thr429=; no amino-acid change (threonine 429 retained).
Molecular consequence: synonymous variant.
Genome position (GRCh38, 1-based): chr1:6,445,758, A>C. VCF-style: chr1-6445758-A-C. GRCh37 (hg19) VCF-style: chr1-6505818-A-C.
Other names: c.1287A>C, p.Thr429= (NM_001367473.1, NM_001367474.1).
Identifiers: ClinVar variation 770107 (VCV000770107.26), dbSNP rs1160426351, ClinGen allele CA416020961.

ClinVar aggregate classification (germline): Likely benign. Review status: criteria provided, multiple submitters, no conflicts (2 of 4 stars). 3 submissions from 3 submitters: Likely benign (3). Last evaluated 2023-12-01.

Submissions (3):

CeGaT Center for Human Genetics Tuebingen
Classification: Likely benign. Last evaluated: 2023-12-01. Review status: criteria provided, single submitter. Criteria: CeGaT Center For Human Genetics Tuebingen Variant Classification Criteria Version 2. Collection method: clinical testing. Allele origin: germline. Affected: yes. Observed: 1 variant allele.
Comment: ESPN: BP4, BP7

Labcorp Genetics (formerly Invitae), Labcorp
Classification: Likely benign. Last evaluated: 2017-05-24. Review status: criteria provided, single submitter. Criteria: Invitae Variant Classification Sherloc (09022015). Collection method: clinical testing. Allele origin: germline.

Breakthrough Genomics
Classification: Likely benign. Review status: criteria provided, single submitter. Criteria: ACMG Guidelines, 2015. Collection method: not provided. Allele origin: germline. Inheritance: Autosomal recessive inheritance. Affected: yes.